The following is an entry in ClinVar:

NM_020937.4(FANCM):c.4931G>A (p.Arg1644Gln)

Gene: FANCM (FA complementation group M; plus strand). Cytogenetic location: 14q21.2.
Variant type: single nucleotide variant.
Coding change: c.4931G>A on transcript NM_020937.4 (MANE Select); coding-DNA position 4931, G replaced by A.
Protein change: p.Arg1644Gln; replaces arginine 1644 with glutamine.
Molecular consequence: missense variant.
Genome position (GRCh38, 1-based): chr14:45,188,953, G>A. VCF-style: chr14-45188953-G-A. GRCh37 (hg19) VCF-style: chr14-45658156-G-A.
Other names: c.4931G>A (LRG_502t1); c.4853G>A, p.Arg1618Gln (NM_001308133.2); short protein forms R1644Q, R1618Q.
Identifiers: ClinVar variation 435170 (VCV000435170.30), dbSNP rs138151018, ClinGen allele CA7169875.

ClinVar aggregate classification (germline): Benign/Likely benign. Review status: criteria provided, multiple submitters, no conflicts (2 of 4 stars). 8 submissions from 8 submitters: Benign (3); Likely benign (5). Last evaluated 2026-06-01.

Conditions:
Fanconi anemia (FA). Also called: Fanconi's anemia. Identifiers: Orphanet 84, MedGen C0015625, MeSH D005199, MONDO:0019391.
Hereditary cancer-predisposing syndrome. Also called: Hereditary neoplastic syndrome; Tumor predisposition; Hereditary Cancer Syndrome; Neoplastic Syndromes, Hereditary. Identifiers: Orphanet 140162, MedGen C0027672, MeSH D009386, MONDO:0015356.
Premature ovarian failure 15. Identifiers: MedGen C4748170, MONDO:0054862, OMIM 618096.

Allele frequency attached by ClinVar (database versions not stated): ESP Exome Variant Server 0.00008; gnomAD exomes 0.00044 and 0.00169; gnomAD 0.00046 and 0.00071; TOPMed 0.00106; ExAC 0.00147; 1000 Genomes Project 30x 0.00265; 1000 Genomes Project 0.00319.
gnomAD v4.1: 786 of 1,613,940 alleles (0.049%); highest among the groups gnomAD compares: East Asian, 1.4%; 7 homozygotes.

Submissions (8):

CeGaT Center for Human Genetics Tuebingen
Classification: Likely benign. Last evaluated: 2026-06-01. Review status: criteria provided, single submitter. Criteria: CeGaT Center For Human Genetics Tuebingen Variant Classification Criteria Version 2. Collection method: clinical testing. Allele origin: germline. Affected: yes. Observed: 3 variant alleles.
Comment: FANCM: BP4, BS1

Labcorp Genetics (formerly Invitae), Labcorp
Classification: Benign for Fanconi anemia. Last evaluated: 2026-01-19. Review status: criteria provided, single submitter. Criteria: Invitae Variant Classification Sherloc (09022015). Collection method: clinical testing. Allele origin: germline.

Quest Diagnostics Nichols Institute San Juan Capistrano
Classification: Benign. Last evaluated: 2025-10-09. Review status: criteria provided, single submitter. Criteria: Quest Diagnostics criteria. Collection method: clinical testing. Allele origin: unknown.

Blueprint Genetics
Classification: Likely benign. Last evaluated: 2024-11-27. Review status: criteria provided, single submitter. Criteria: ACMG Guidelines, 2015. Collection method: clinical testing. Allele origin: germline.

KCCC/NGS Laboratory, Kuwait Cancer Control Center
Classification: Benign for Premature ovarian failure 15. Last evaluated: 2023-07-07. Review status: criteria provided, single submitter. Criteria: ACMG Guidelines, 2015. Collection method: clinical testing. Allele origin: germline. Affected: yes.

Sema4
Classification: Likely benign for Hereditary cancer-predisposing syndrome. Last evaluated: 2021-07-26. Review status: criteria provided, single submitter. Criteria: Sema4 Curation Guidelines. Collection method: curation. Allele origin: germline.

GeneDx
Classification: Likely benign. Last evaluated: 2020-09-15. Review status: criteria provided, single submitter. Criteria: GeneDx Variant Classification Process June 2021. Collection method: clinical testing. Allele origin: germline. Affected: yes.
Comment: This variant is associated with the following publications: (PMID: 21279724, 28717660, 31296309, 26067930)

Genetic Services Laboratory, University of Chicago
Classification: Likely benign. Last evaluated: 2015-10-07. Review status: criteria provided, single submitter. Criteria: ACMG Guidelines, 2015. Collection method: clinical testing. Allele origin: germline. Affected: no.

Literature cited by the submitters: PubMed 32906206 (cited by Quest Diagnostics Nichols Institute San Juan Capistrano).